The following is an entry in ClinVar:

NM_001177316.2(SLC34A3):c.528G>A (p.Met176Ile)

Gene: SLC34A3 (solute carrier family 34 member 3; plus strand). Cytogenetic location: 9q34.3.
Variant type: single nucleotide variant.
Coding change: c.528G>A on transcript NM_001177316.2 (MANE Select); coding-DNA position 528, G replaced by A.
Protein change: p.Met176Ile; replaces methionine 176 with isoleucine.
Molecular consequence: missense variant.
Genome position (GRCh38, 1-based): chr9:137,233,083, G>A. VCF-style: chr9-137233083-G-A. GRCh37 (hg19) VCF-style: chr9-140127535-G-A.
Other names: c.528G>A, p.Met176Ile (NM_001177317.2, NM_080877.3); short protein forms M176I.
Identifiers: ClinVar variation 3234101 (VCV003234101.3), dbSNP rs747452282, ClinGen allele CA5364444.

ClinVar aggregate classification (germline): Uncertain significance. Review status: criteria provided, multiple submitters, no conflicts (2 of 4 stars). 2 submissions from 2 submitters: Uncertain significance (2). Last evaluated 2025-06-23.

Conditions:
Autosomal recessive hypophosphatemic bone disease (HHRH). Also called: HYPERCALCIURIC RICKETS; Hypophosphatemic rickets with hypercalciuria. Identifiers: Orphanet 157215, MedGen C1853271, MONDO:0009431, OMIM 241530.

Allele frequency attached by ClinVar (database versions not stated): gnomAD exomes below 0.00001; ExAC 0.00002.

Submissions (2):

Dasa
Classification: Uncertain significance. Last evaluated: 2025-06-23. Review status: criteria provided, single submitter. Criteria: DASA Assertion Criteria. Collection method: clinical testing. Allele origin: germline.
Comment: NM_001177316.2(SLC34A3):c.528G>A (p.Met176Ile) is a missense variant that results in the substitution of methionine with isoleucine. This variant is rare in population databases. Computational prediction algorithms are consistent with a benign effect. The currently available literature and clinical evidence are not sufficient to establish a definitive association between this variant and the reported condition. Therefore, this variant is classified as a variant of uncertain significance.

MVZ Medizinische Genetik Mainz
Classification: Uncertain significance for Autosomal recessive hypophosphatemic bone disease. Last evaluated: 2021-09-13. Review status: criteria provided, single submitter. Criteria: UK Practice Guidelines For Variant Classification V4 01 2020. Collection method: clinical testing. Allele origin: germline. Inheritance: Autosomal dominant inheritance. Affected: yes. Observed: 1 variant allele.
Comment: ACMG Criteria: PM2_SUP, PP4